The following is an entry in ClinVar:

ClinVar aggregate classification (germline): Likely pathogenic (1 of 4 stars; one submission).

Conditions:
Developmental and epileptic encephalopathy 94 (DEE94). Also called: CHD2-Related Neurodevelopmental Disorders; Epileptic encephalopathy, childhood-onset. Identifiers: Orphanet 1942, Orphanet 2382, MedGen C3809278, MONDO:0014150, OMIM 615369.

Submission:

3billion
Classification: Likely pathogenic for Developmental and epileptic encephalopathy 94. Last evaluated: 2024-09-05. Review status: criteria provided, single submitter. Criteria: ACMG Guidelines, 2015. Collection method: clinical testing. Allele origin: germline. Affected: yes.
Comment: The variant is not observed in the gnomAD v4.0.0 dataset. Predicted Consequence/Location: Canonical splice site: predicted to alter splicing and result in a loss or disruption of normal protein function. Multiple pathogenic loss-of-function variants are reported downstream of the variant. In silico tools predict the variant to alter splicing and produce an abnormal transcript [SpliceAI: 1.00 (spliceogenicity >=0.2, non-spliceogenicity <0.1)]. Therefore, this variant is classified as Likely pathogenic according to the recommendation of ACMG/AMP guideline.

NM_001271.4(CHD2):c.2190-2A>C

Gene: CHD2 (chromodomain helicase DNA binding protein 2; plus strand). Cytogenetic location: 15q26.1.
Variant type: single nucleotide variant.
Coding change: c.2190-2A>C on transcript NM_001271.4 (MANE Select); the canonical splice acceptor site of the intron before coding-DNA position 2190, A replaced by C.
Molecular consequence: splice acceptor variant.
Genome position (GRCh38, 1-based): chr15:92,971,763, A>C. VCF-style: chr15-92971763-A-C. GRCh37 (hg19) VCF-style: chr15-93514993-A-C.
Identifiers: ClinVar variation 4293713 (VCV004293713.1).